The following is an entry in ClinVar:

ClinVar aggregate classification (germline): Uncertain significance (1 of 4 stars; one submission).

Conditions:
Inborn genetic diseases. Identifiers: MedGen C0950123, MeSH D030342.

gnomAD v4.1: 1 of 1,614,150 alleles (0.000062%); highest among the groups gnomAD compares: Non-Finnish European, 0.000085%; no homozygotes.

Submission:

Ambry Genetics
Classification: Uncertain significance for Inborn genetic diseases. Last evaluated: 2025-08-20. Review status: criteria provided, single submitter. Criteria: Ambry Variant Classification Scheme 2023. Collection method: clinical testing. Allele origin: germline.
Comment: The p.P209A variant (also known as c.625C>G), located in coding exon 6 of the PAX5 gene, results from a C to G substitution at nucleotide position 625. The proline at codon 209 is replaced by alanine, an amino acid with highly similar properties. This amino acid position is conserved. In addition, the in silico prediction for this alteration is inconclusive. Based on the available evidence, the clinical significance of this variant remains unclear.

NM_016734.3(PAX5):c.625C>G (p.Pro209Ala)

Gene: PAX5 (paired box 5; minus strand). Cytogenetic location: 9p13.2.
Variant type: single nucleotide variant.
Coding change: c.625C>G on transcript NM_016734.3 (MANE Select); coding-DNA position 625, C replaced by G.
Protein change: p.Pro209Ala; replaces proline 209 with alanine.
Molecular consequence: missense variant. On other transcripts: non-coding transcript variant (2).
Genome position (GRCh38, 1-based): chr9:36,966,704, G>C on the plus strand (C>G on the coding strand, the complement: PAX5 is on the minus strand). VCF-style: chr9-36966704-G-C. GRCh37 (hg19) VCF-style: chr9-36966701-G-C.
Other names: c.625C>G, p.Pro209Ala (NM_001280547.2, NM_001280548.2, NM_001280549.2 and 2 more transcripts); c.301C>G, p.Pro101Ala (NM_001280551.2, NM_001280556.2); c.496C>G, p.Pro166Ala (NM_001280553.2, NM_001280554.2); c.427C>G, p.Pro143Ala (NM_001280555.2); short protein forms P166A, P209A, P101A, P143A.
Identifiers: ClinVar variation 4131430 (VCV004131430.1).